The following is an entry in ClinVar:

NM_005115.5(MVP):c.435C>T (p.Phe145=)

Gene: MVP (major vault protein; plus strand). Cytogenetic location: 16p11.2.
Variant type: single nucleotide variant.
Coding change: c.435C>T on transcript NM_005115.5 (MANE Select); coding-DNA position 435, C replaced by T.
Protein change: p.Phe145=; no amino-acid change (phenylalanine 145 retained).
Molecular consequence: synonymous variant.
Genome position (GRCh38, 1-based): chr16:29,833,846, C>T. VCF-style: chr16-29833846-C-T. GRCh37 (hg19) VCF-style: chr16-29845167-C-T.
Other names: c.435C>T, p.Phe145= (NM_001293204.1, NM_001293205.1, NM_017458.3).
Identifiers: ClinVar variation 2646374 (VCV002646374.24), dbSNP rs777830582, ClinGen allele CA7995014.

ClinVar aggregate classification (germline): Likely benign (1 of 4 stars; one submission).

Allele frequency attached by ClinVar (database versions not stated): ExAC 0.00001; gnomAD exomes 0.00001; TOPMed 0.00002.

Submission:

CeGaT Center for Human Genetics Tuebingen
Classification: Likely benign. Last evaluated: 2022-07-01. Review status: criteria provided, single submitter. Criteria: CeGaT Center For Human Genetics Tuebingen Variant Classification Criteria Version 2. Collection method: clinical testing. Allele origin: germline. Affected: yes. Observed: 1 variant allele.
Comment: MVP: BP4, BP7